The following is an entry in ClinVar:

NM_004115.4(FGF14):c.*1220_*1223dup

Gene: FGF14 (fibroblast growth factor 14; minus strand). Cytogenetic location: 13q33.1.
Variant type: Duplication.
Coding change: c.*1220_*1223dup on transcript NM_004115.4 (MANE Select); 1220 bases downstream of the stop codon through 1223 bases downstream of the stop codon, 4 bases duplicated (ATTA; older notation c.*1220_*1223dupATTA).
Molecular consequence: 3 prime UTR variant.
Genome position (GRCh38, 1-based): chr13:101,721,608-101,721,611, TAAT duplicated on the plus strand (ATTA on the coding strand, the reverse complement: FGF14 is on the minus strand). VCF-style (leftmost placement, unchanged base first): chr13-101721607-C-CTAAT. GRCh37 (hg19) VCF-style: chr13-102373957-C-CTAAT.
Other names: c.*1220_*1223dup (NM_001321931.1, NM_001321932.1, NM_001321933.1 and 17 more transcripts).
Identifiers: ClinVar variation 310869 (VCV000310869.29), dbSNP rs546246953, ClinGen allele CA10642695.

ClinVar aggregate classification (germline): Benign (1 of 4 stars; one submission).

Allele frequency attached by ClinVar (database versions not stated): 1000 Genomes Project 30x 0.00016; TOPMed 0.00048; gnomAD 0.00062.

Submission:

CeGaT Center for Human Genetics Tuebingen
Classification: Benign. Last evaluated: 2022-10-01. Review status: criteria provided, single submitter. Criteria: CeGaT Center For Human Genetics Tuebingen Variant Classification Criteria Version 2. Collection method: clinical testing. Allele origin: germline. Affected: yes. Observed: 2 variant alleles.
Comment: FGF14: BS1, BS2